The following is an entry in ClinVar:

NC_000023.10:g.(?_32503016)_(32841967_?)del

Gene: DMD (dystrophin; minus strand). Cytogenetic location: Xp21.1.
Variant type: Deletion.
Identifiers: ClinVar variation 2424923 (VCV002424923.5).

ClinVar aggregate classification (germline): Pathogenic (1 of 4 stars; one submission).

Conditions:
Duchenne muscular dystrophy (DMD). Also called: Duchenne Muscular Dystrophy (DMD); MUSCULAR DYSTROPHY, PSEUDOHYPERTROPHIC PROGRESSIVE, DUCHENNE TYPE. Identifiers: Orphanet 98896, MedGen C0013264, MONDO:0010679, OMIM 310200.

Submission:

Labcorp Genetics (formerly Invitae), Labcorp
Classification: Pathogenic for Duchenne muscular dystrophy. Last evaluated: 2022-06-17. Review status: criteria provided, single submitter. Criteria: Invitae Variant Classification Sherloc (09022015). Collection method: clinical testing. Allele origin: germline.
Comment: For these reasons, this variant has been classified as Pathogenic. This variant has not been reported in the literature in individuals affected with DMD-related conditions. This variant is a gross deletion of the genomic region encompassing exon(s) 5-21 of the DMD gene. This deletion is out-of-frame, and is expected to create a premature termination codon and result in an absent or disrupted protein product. Loss-of-function variants in DMD are known to be pathogenic (PMID: 16770791, 25007885).

Literature cited by the submitters: PubMed 16770791; PubMed 25007885.